The following is an entry in ClinVar:

ClinVar aggregate classification (germline): Uncertain significance. Review status: criteria provided, multiple submitters, no conflicts (2 of 4 stars). 2 submissions from 2 submitters: Uncertain significance (2). Last evaluated 2025-08-13.

Conditions:
Inborn genetic diseases. Identifiers: MedGen C0950123, MeSH D030342.

Allele frequency attached by ClinVar (database versions not stated): gnomAD exomes 0.00002; gnomAD 0.00008; TOPMed 0.00009.
gnomAD v4.1: 38 of 1,611,732 alleles (0.0024%); highest among the groups gnomAD compares: Admixed American, 0.03%; no homozygotes.

Submissions (2):

Ambry Genetics
Classification: Uncertain significance for Inborn genetic diseases. Last evaluated: 2025-08-13. Review status: criteria provided, single submitter. Criteria: Ambry Variant Classification Scheme 2023. Collection method: clinical testing. Allele origin: germline.

Labcorp Genetics (formerly Invitae), Labcorp
Classification: Uncertain significance. Last evaluated: 2022-08-19. Review status: criteria provided, single submitter. Criteria: Invitae Variant Classification Sherloc (09022015). Collection method: clinical testing. Allele origin: germline.
Comment: Algorithms developed to predict the effect of missense changes on protein structure and function output the following: SIFT: "Tolerated"; PolyPhen-2: "Benign"; Align-GVGD: "Class C0". The asparagine amino acid residue is found in multiple mammalian species, which suggests that this missense change does not adversely affect protein function. In summary, the available evidence is currently insufficient to determine the role of this variant in disease. Therefore, it has been classified as a Variant of Uncertain Significance. This variant has not been reported in the literature in individuals affected with CPAMD8-related conditions. This variant is present in population databases (no rsID available, gnomAD 0.02%). This sequence change replaces aspartic acid, which is acidic and polar, with asparagine, which is neutral and polar, at codon 927 of the CPAMD8 protein (p.Asp927Asn).

NM_015692.5(CPAMD8):c.2638G>A (p.Asp880Asn)

Gene: CPAMD8 (C3 and PZP like alpha-2-macroglobulin domain containing 8; minus strand). Cytogenetic location: 19p13.11.
Variant type: single nucleotide variant.
Coding change: c.2638G>A on transcript NM_015692.5 (MANE Select); coding-DNA position 2638, G replaced by A.
Protein change: p.Asp880Asn; replaces aspartic acid 880 with asparagine.
Molecular consequence: missense variant.
Genome position (GRCh38, 1-based): chr19:16,947,098, C>T on the plus strand (G>A on the coding strand, the complement: CPAMD8 is on the minus strand). VCF-style: chr19-16947098-C-T. GRCh37 (hg19) VCF-style: chr19-17057908-C-T.
Other names: c.2779G>A (NM_015692.2); short protein forms D880N.
Identifiers: ClinVar variation 1930690 (VCV001930690.6), dbSNP rs1021225057, ClinGen allele CA306040930.